The following is an entry in ClinVar:

NM_001267550.2(TTN):c.62337_62340del (p.Thr20780fs)

Genes: TTN-AS1 (TTN antisense RNA 1; plus strand), TTN (titin; minus strand). Cytogenetic location: 2q31.2.
Variant type: Deletion.
Coding change: c.62337_62340del on transcript NM_001267550.2 (MANE Select); coding-DNA positions 62337 to 62340, 4 bases deleted (AACT; older notation c.62337_62340delAACT).
Protein change: p.Thr20780fs; shifts the reading frame from threonine 20780.
Molecular consequence: frameshift variant.
Genome position (GRCh38, 1-based): chr2:178,589,385-178,589,388, AGTT deleted on the plus strand (AACT on the coding strand, the reverse complement: TTN is on the minus strand); deleting any 4 consecutive bases within chr2:178,589,385-178,589,390 gives the same sequence; the c. name uses the placement nearest the transcript's 3' end. VCF-style (leftmost placement, unchanged base first): chr2-178589384-CAGTT-C. GRCh37 (hg19) VCF-style: chr2-179454111-CAGTT-C.
Other names: c.57414_57417del, p.Thr19139fs (NM_001256850.1); c.35142_35145del, p.Thr11715fs (NM_003319.4); c.54633_54636del, p.Thr18212fs (NM_133378.4); c.35517_35520del, p.Thr11840fs (NM_133432.3); c.35718_35721del, p.Thr11907fs (NM_133437.4); c.62337_62340del (NM_001267550.1); short protein forms T11715fs, T11840fs, T11907fs, T18212fs, T19139fs, T20780fs.
Identifiers: ClinVar variation 1067018 (VCV001067018.11), dbSNP rs2154183737, ClinGen allele CA2499215399.

ClinVar aggregate classification (germline): Likely pathogenic. Review status: criteria provided, multiple submitters, no conflicts (2 of 4 stars). 3 submissions from 3 submitters: Likely pathogenic (3). Last evaluated 2025-12-09.

Conditions:
Dilated cardiomyopathy 1G (CMD1G). Identifiers: Orphanet 154, MedGen C1858763, MONDO:0011400, OMIM 604145.
Tibial muscular dystrophy (TMD). Also called: Tibial muscular dystrophy, tardive; UDD MYOPATHY; Udd Distal Myopathy – Tibial Muscular Dystrophy. Identifiers: Orphanet 609, MedGen C1838244, MONDO:0010870, OMIM 600334.
Hypertrophic cardiomyopathy 9. Also called: Familial hypertrophic cardiomyopathy 9. Identifiers: MedGen C1861065, MONDO:0013412, OMIM 613765.
Autosomal recessive limb-girdle muscular dystrophy type 2J (LGMDR10). Also called: Limb-girdle muscular dystrophy, type 2J; MUSCULAR DYSTROPHY, LIMB-GIRDLE, AUTOSOMAL RECESSIVE 10. Identifiers: Orphanet 140922, MedGen C1837342, MONDO:0012127, OMIM 608807.
Myopathy, myofibrillar, 9, with early respiratory failure (MFM9). Also called: Hereditary myopathy with early respiratory failure; Myopathy, distal, with early respiratory failure, autosomal dominant; EDSTROM MYOPATHY; MYOPATHY, PROXIMAL, WITH EARLY RESPIRATORY MUSCLE INVOLVEMENT. Identifiers: Orphanet 178464, Orphanet 34521, MedGen C1863599, MONDO:0011362, OMIM 603689.
Early-onset myopathy with fatal cardiomyopathy (CMYO5). Also called: Salih Myopathy; CONGENITAL MYOPATHY 5 WITH CARDIOMYOPATHY. Identifiers: Orphanet 289377, MedGen C2673677, MONDO:0012714, OMIM 611705. Disease mechanism: loss of function.

Submissions (3):

Labcorp Genetics (formerly Invitae), Labcorp
Classification: Likely pathogenic for Dilated cardiomyopathy 1G; Autosomal recessive limb-girdle muscular dystrophy type 2J. Last evaluated: 2025-12-09. Review status: criteria provided, single submitter. Criteria: Invitae Variant Classification Sherloc (09022015). Collection method: clinical testing. Allele origin: germline.
Comment: This sequence change creates a premature translational stop signal (p.Thr20780Serfs*32) in the TTN gene. While this is not anticipated to result in nonsense mediated decay, it is expected to create a truncated TTN protein. This variant is not present in population databases (gnomAD no frequency). This variant has not been reported in the literature in individuals affected with TTN-related conditions. ClinVar contains an entry for this variant (Variation ID: 1067018). This variant is located in the A band of TTN (PMID: 25589632). Truncating variants in this region are significantly overrepresented in patients affected with dilated cardiomyopathy (PMID: 25589632). Truncating variants in this region have also been reported in individuals affected with autosomal recessive centronuclear myopathy (PMID: 23975875). In summary, the currently available evidence indicates that the variant is pathogenic, but additional data are needed to prove that conclusively. Therefore, this variant has been classified as Likely Pathogenic.

GeneDx
Classification: Likely pathogenic. Last evaluated: 2025-07-30. Review status: criteria provided, single submitter. Criteria: GeneDx Variant Classification Process June 2021. Collection method: clinical testing. Allele origin: germline. Affected: yes.
Comment: Frameshift variant predicted to result in protein truncation or nonsense mediated decay in a gene for which loss of function is a known mechanism of disease; Not observed at significant frequency in large population cohorts (gnomAD); Located in the A-band, a region of TTN for which truncating variants are significantly associated with autosomal dominant cardiomyopathy and also with autosomal recessive skeletal myopathies (PMID: 22335739, 32778822); Has not been previously published as pathogenic or benign to our knowledge; This variant is associated with the following publications: (PMID: 22335739, 32778822)

Juno Genomics, Hangzhou Juno Genomics, Inc
Classification: Likely pathogenic for Early-onset myopathy with fatal cardiomyopathy; Dilated cardiomyopathy 1G; Hypertrophic cardiomyopathy 9; Autosomal recessive limb-girdle muscular dystrophy type 2J; Myopathy, myofibrillar, 9, with early respiratory failure; Tibial muscular dystrophy. Review status: criteria provided, single submitter. Criteria: ACMG Guidelines, 2015. Collection method: clinical testing. Allele origin: germline.
Comment: Null variant in a gene where loss of function (LOF) is a known mechanism of disease.;Absent from controls (or at extremely low frequency if recessive) in Genome Aggregation Database.

Literature cited by the submitters: PubMed 25589632 (cited by Labcorp Genetics (formerly Invitae), Labcorp); PubMed 23975875 (cited by Labcorp Genetics (formerly Invitae), Labcorp).